The following is an entry in ClinVar:

ClinVar aggregate classification (germline): Likely pathogenic (1 of 4 stars; one submission).

Conditions:
Hypophosphatasia. Also called: Phosphoethanol-aminuria. Identifiers: Orphanet 436, MedGen C0020630, MeSH D007014, MONDO:0018570.

Submission:

Myriad Genetics, Inc.
Classification: Likely pathogenic for Hypophosphatasia. Last evaluated: 2022-03-21. Review status: criteria provided, single submitter. Criteria: Myriad Autosomal Dominant, Autosomal Recessive and X-Linked Classification Criteria (2023). Collection method: clinical testing. Allele origin: unknown.
Comment: NM_000478.4(ALPL):c.394delG(A132Qfs*33) is expected to be pathogenic in the context of hypophosphatasia. This variant is predicted to lead to an abnormal or absent protein product due to the creation of a premature termination codon in ALPL, a gene where loss-of-function variants are known to be pathogenic. Please note: this variant was assessed in the context of healthy population screening.

NM_000478.6(ALPL):c.394del (p.Ala132fs)

Gene: ALPL (alkaline phosphatase, biomineralization associated; plus strand). Cytogenetic location: 1p36.12.
Variant type: Deletion.
Coding change: c.394del on transcript NM_000478.6 (MANE Select); coding-DNA position 394, one base deleted (G; older notation c.394delG).
Protein change: p.Ala132fs; shifts the reading frame from alanine 132.
Molecular consequence: frameshift variant.
Genome position (GRCh38, 1-based): chr1:21,563,206, G deleted. VCF-style (leftmost placement, unchanged base first): chr1-21563205-CG-C. GRCh37 (hg19) VCF-style: chr1-21889698-CG-C.
Other names: c.229del, p.Ala77fs (NM_001127501.4); c.163del, p.Ala55fs (NM_001177520.3); c.394del, p.Ala132fs (NM_001369803.2, NM_001369804.2, NM_001369805.2); short protein forms A132fs, A55fs, A77fs.
Identifiers: ClinVar variation 1725441 (VCV001725441.3), dbSNP rs2545299251, ClinGen allele CA2580061455.